The following is an entry in ClinVar:

ClinVar aggregate classification (germline): Uncertain significance (1 of 4 stars; one submission).

Allele frequency attached by ClinVar (database versions not stated): gnomAD exomes below 0.00001.
gnomAD v4.1: 1 of 1,613,866 alleles (0.000062%); highest among the groups gnomAD compares: Admixed American, 0.0017%; no homozygotes.

Submission:

Labcorp Genetics (formerly Invitae), Labcorp
Classification: Uncertain significance. Last evaluated: 2024-02-17. Review status: criteria provided, single submitter. Criteria: Invitae Variant Classification Sherloc (09022015). Collection method: clinical testing. Allele origin: germline.
Comment: This sequence change falls in intron 17 of the LPIN1 gene. It does not directly change the encoded amino acid sequence of the LPIN1 protein. It affects a nucleotide within the consensus splice site. This variant is present in population databases (no rsID available, gnomAD 0.003%). This variant has not been reported in the literature in individuals affected with LPIN1-related conditions. ClinVar contains an entry for this variant (Variation ID: 2050950). Variants that disrupt the consensus splice site are a relatively common cause of aberrant splicing (PMID: 17576681, 9536098). Algorithms developed to predict the effect of sequence changes on RNA splicing suggest that this variant may disrupt the consensus splice site. In summary, the available evidence is currently insufficient to determine the role of this variant in disease. Therefore, it has been classified as a Variant of Uncertain Significance.

Literature cited by the submitters: PubMed 17576681; PubMed 9536098.

NM_001349206.2(LPIN1):c.2402+3A>G

Gene: LPIN1 (lipin 1; plus strand). Cytogenetic location: 2p25.1.
Variant type: single nucleotide variant.
Coding change: c.2402+3A>G on transcript NM_001349206.2 (MANE Select); 3 bases into the intron after coding-DNA position 2402, A replaced by G.
Molecular consequence: intron variant.
Genome position (GRCh38, 1-based): chr2:11,815,243, A>G. VCF-style: chr2-11815243-A-G. GRCh37 (hg19) VCF-style: chr2-11955369-A-G.
Other names: c.2549+3A>G (NM_001261428.3); c.2441+3A>G (NM_001349208.2); c.2492+3A>G (NM_001349207.2); c.2312+3A>G (NM_001261427.3); c.2402+3A>G (NM_001349204.2, NM_001349205.2); c.2399+3A>G (NM_001349202.2, NM_001349203.2); c.2372+3A>G (NM_001349200.2, NM_001349201.2); c.2294+3A>G (NM_001349199.2, NM_145693.4).
Identifiers: ClinVar variation 2050950 (VCV002050950.2), dbSNP rs965822790, ClinGen allele CA42588176.